The following is an entry in ClinVar:

NM_177438.3(DICER1):c.2002T>G (p.Tyr668Asp)

Gene: DICER1 (dicer 1, ribonuclease III; minus strand). Cytogenetic location: 14q32.13.
Variant type: single nucleotide variant.
Coding change: c.2002T>G on transcript NM_177438.3 (MANE Select); coding-DNA position 2002, T replaced by G.
Protein change: p.Tyr668Asp; replaces tyrosine 668 with aspartic acid.
Molecular consequence: missense variant.
Genome position (GRCh38, 1-based): chr14:95,113,130, A>C on the plus strand (T>G on the coding strand, the complement: DICER1 is on the minus strand). VCF-style: chr14-95113130-A-C. GRCh37 (hg19) VCF-style: chr14-95579467-A-C.
Other names: c.2002T>G, p.Tyr668Asp (NM_001195573.1, NM_001271282.3, NM_001291628.2 and 1 more transcripts); short protein forms Y668D.
Identifiers: ClinVar variation 477082 (VCV000477082.18), dbSNP rs1555372059, ClinGen allele CA390883228.
Genomic context (GRCh38, chr14:95,113,130, plus strand): 5'-TCATTTCTTCTTCTAAACTTACAACAATGGAGGCTCGAAGAGGTGAGTTAATTGGCAGAT[A>C]AAGAGTTGAATAAAATGTACCATCAGGCAACTCTCGGGTTCTGCATTTAGGAGCTAGATG-3'
Protein context (NP_803187.1, residues 658-678): LPDGTFYSTL[Tyr668Asp]LPINSPLRAS

ClinVar aggregate classification (germline): Uncertain significance. Review status: criteria provided, multiple submitters, no conflicts (2 of 4 stars). 4 submissions from 4 submitters: Uncertain significance (4). Last evaluated 2025-12-23.

Conditions:
Global developmental delay - lung cysts - overgrowth - Wilms tumor syndrome. Also called: GLOW Syndrome; GLOBAL DEVELOPMENTAL DELAY, LUNG CYSTS, OVERGROWTH, AND WILMS TUMOR. Identifiers: Orphanet 404476, MedGen C4748924, MONDO:0018445, OMIM 618272.
DICER1-related tumor predisposition. Also called: DICER1-related pleuropulmonary blastoma cancer predisposition syndrome; DICER1 syndrome. Identifiers: Orphanet 284343, MedGen C3839822, MONDO:0100216.
Hereditary cancer-predisposing syndrome. Also called: Tumor predisposition; Neoplastic Syndromes, Hereditary; Hereditary Cancer Syndrome; Hereditary neoplastic syndrome. Identifiers: Orphanet 140162, MedGen C0027672, MeSH D009386, MONDO:0015356.

Allele frequency attached by ClinVar (database versions not stated): gnomAD exomes 0.00001.
gnomAD v4.1: 7 of 1,613,770 alleles (0.00043%); highest among the groups gnomAD compares: Non-Finnish European, 0.00059%; no homozygotes.

Submissions (4):

Labcorp Genetics (formerly Invitae), Labcorp
Classification: Uncertain significance for DICER1-related tumor predisposition. Last evaluated: 2025-12-23. Review status: criteria provided, single submitter. Criteria: Invitae Variant Classification Sherloc (09022015). Collection method: clinical testing. Allele origin: germline.
Comment: This sequence change replaces tyrosine, which is neutral and polar, with aspartic acid, which is acidic and polar, at codon 668 of the DICER1 protein (p.Tyr668Asp). This variant is not present in population databases (gnomAD no frequency). This variant has not been reported in the literature in individuals affected with DICER1-related conditions. ClinVar contains an entry for this variant (Variation ID: 477082). Invitae Evidence Modeling of protein sequence and biophysical properties (such as structural, functional, and spatial information, amino acid conservation, physicochemical variation, residue mobility, and thermodynamic stability) indicates that this missense variant is not expected to disrupt DICER1 protein function with a negative predictive value of 95%. RNA analysis performed to evaluate the impact of this missense change on mRNA splicing indicates it does not significantly alter splicing (internal data). In summary, the available evidence is currently insufficient to determine the role of this variant in disease. Therefore, it has been classified as a Variant of Uncertain Significance.

Ambry Genetics
Classification: Uncertain significance for Hereditary cancer-predisposing syndrome. Last evaluated: 2025-03-17. Review status: criteria provided, single submitter. Criteria: Ambry Variant Classification Scheme 2023. Collection method: clinical testing. Allele origin: germline.
Comment: The p.Y668D variant (also known as c.2002T>G), located in coding exon 11 of the DICER1 gene, results from a T to G substitution at nucleotide position 2002. The tyrosine at codon 668 is replaced by aspartic acid, an amino acid with highly dissimilar properties. This amino acid position is well conserved in available vertebrate species. In addition, the in silico prediction for this alteration is inconclusive. Since supporting evidence is limited at this time, the clinical significance of this alteration remains unclear.

Baylor Genetics
Classification: Uncertain significance for Global developmental delay - lung cysts - overgrowth - Wilms tumor syndrome. Last evaluated: 2023-05-09. Review status: criteria provided, single submitter. Criteria: ACMG Guidelines, 2015. Collection method: clinical testing. Allele origin: unknown.

Quest Diagnostics Nichols Institute San Juan Capistrano
Classification: Uncertain significance. Last evaluated: 2023-02-15. Review status: criteria provided, single submitter. Criteria: Quest Diagnostics criteria. Collection method: clinical testing. Allele origin: unknown.
Comment: The variant has not been reported in individuals with DICER1-related in the published literature. It also has not been reported in large, multi-ethnic general populations. Analysis of this variant using bioinformatics tools for the prediction of the effect of amino acid changes on protein structure and function yielded conflicting predictions that this variant is benign or damaging. Based on the available information, we are unable to determine the clinical significance of this variant.